The following is an entry in ClinVar:

NM_000834.5(GRIN2B):c.3343C>G (p.Arg1115Gly)

Gene: GRIN2B (glutamate ionotropic receptor NMDA type subunit 2B; minus strand). Cytogenetic location: 12p13.1.
Variant type: single nucleotide variant.
Coding change: c.3343C>G on transcript NM_000834.5 (MANE Select); coding-DNA position 3343, C replaced by G.
Protein change: p.Arg1115Gly; replaces arginine 1115 with glycine.
Molecular consequence: missense variant.
Genome position (GRCh38, 1-based): chr12:13,563,895, G>C on the plus strand (C>G on the coding strand, the complement: GRIN2B is on the minus strand). VCF-style: chr12-13563895-G-C. GRCh37 (hg19) VCF-style: chr12-13716829-G-C.
Other names: short protein forms R1115G.
Identifiers: ClinVar variation 1018635 (VCV001018635.15), dbSNP rs370908319, ClinGen allele CA383989884.

ClinVar aggregate classification (germline): Conflicting classifications of pathogenicity. Review status: criteria provided, conflicting classifications (1 of 4 stars). 2 submissions from 2 submitters: Uncertain significance (1); Likely benign (1). Last evaluated 2025-10-01.

Conditions:
Developmental and epileptic encephalopathy, 27 (DEE27). Also called: GRIN2B-Related Neurodevelopmental Disorder; Epileptic encephalopathy, early infantile, 27. Identifiers: Orphanet 3451, MedGen C4015316, MONDO:0014505, OMIM 616139.
Intellectual developmental disorder, autosomal dominant 6, with or without seizures. Also called: Intellectual disability, autosomal dominant 6; GRIN2B-related developmental delay, intellectual disability and autism spectrum disorder. Identifiers: Orphanet 589547, MedGen C3151411, MONDO:0013509, OMIM 613970.

Allele frequency attached by ClinVar (database versions not stated): gnomAD 0.00005; TOPMed 0.00006.
gnomAD v4.1: 12 of 1,614,008 alleles (0.00074%); highest among the groups gnomAD compares: Admixed American, 0.018%; no homozygotes.

Submissions (2):

CeGaT Center for Human Genetics Tuebingen
Classification: Likely benign. Last evaluated: 2025-10-01. Review status: criteria provided, single submitter. Criteria: CeGaT Center For Human Genetics Tuebingen Variant Classification Criteria Version 2. Collection method: clinical testing. Allele origin: germline. Affected: yes. Observed: 1 variant allele.
Comment: GRIN2B: BP4

Labcorp Genetics (formerly Invitae), Labcorp
Classification: Uncertain significance for Developmental and epileptic encephalopathy, 27; Intellectual developmental disorder, autosomal dominant 6, with or without seizures. Last evaluated: 2022-11-22. Review status: criteria provided, single submitter. Criteria: Invitae Variant Classification Sherloc (09022015). Collection method: clinical testing. Allele origin: germline.
Comment: In summary, the available evidence is currently insufficient to determine the role of this variant in disease. Therefore, it has been classified as a Variant of Uncertain Significance. Advanced modeling of protein sequence and biophysical properties (such as structural, functional, and spatial information, amino acid conservation, physicochemical variation, residue mobility, and thermodynamic stability) performed at Invitae indicates that this missense variant is not expected to disrupt GRIN2B protein function. ClinVar contains an entry for this variant (Variation ID: 1018635). This variant has not been reported in the literature in individuals affected with GRIN2B-related conditions. This variant is present in population databases (no rsID available, gnomAD 0.01%). This sequence change replaces arginine, which is basic and polar, with glycine, which is neutral and non-polar, at codon 1115 of the GRIN2B protein (p.Arg1115Gly).